The following is an entry in ClinVar:

ClinVar aggregate classification (germline): Uncertain significance (1 of 4 stars; one submission).

Conditions:
Mendelian susceptibility to mycobacterial diseases due to complete ISG15 deficiency. Also called: IMMUNODEFICIENCY 38, MYCOBACTERIOSIS, AUTOSOMAL RECESSIVE; ISG15 DEFICIENCY, AUTOSOMAL RECESSIVE; Immunodeficiency 38 with basal ganglia calcification; Immunodeficiency 38. Identifiers: Orphanet 319563, MedGen C4015293, MONDO:0014502, OMIM 616126.

Submission:

Labcorp Genetics (formerly Invitae), Labcorp
Classification: Uncertain significance for Mendelian susceptibility to mycobacterial diseases due to complete ISG15 deficiency. Last evaluated: 2022-06-20. Review status: criteria provided, single submitter. Criteria: Invitae Variant Classification Sherloc (09022015). Collection method: clinical testing. Allele origin: germline.
Comment: Experimental studies and prediction algorithms are not available or were not evaluated, and the functional significance of this variant is currently unknown. This variant has not been reported in the literature in individuals affected with ISG15-related conditions. This variant is not present in population databases (gnomAD no frequency). This sequence change results in a frameshift in the ISG15 gene (p.Phe149Hisfs*?). While this is not anticipated to result in nonsense mediated decay, it is expected to disrupt the last 17 amino acid(s) of the ISG15 protein and extend the protein by an uncertain number of additional amino acid residue(s). In summary, the available evidence is currently insufficient to determine the role of this variant in disease. Therefore, it has been classified as a Variant of Uncertain Significance.

NM_005101.4(ISG15):c.444_445del (p.Phe149fs)

Gene: ISG15 (ISG15 ubiquitin like modifier; plus strand). Cytogenetic location: 1p36.33.
Variant type: Microsatellite.
Coding change: c.444_445del on transcript NM_005101.4 (MANE Select); coding-DNA positions 444 to 445, 2 bases deleted (GT; older notation c.444_445delGT).
Protein change: p.Phe149fs; shifts the reading frame from phenylalanine 149.
Molecular consequence: frameshift variant.
Genome position (GRCh38, 1-based): chr1:1,014,424-1,014,425, GT deleted; deleting any 2 consecutive bases within chr1:1,014,422-1,014,425 gives the same sequence; the c. name uses the placement nearest the transcript's 3' end. VCF-style (leftmost placement, unchanged base first): chr1-1014421-CGT-C. GRCh37 (hg19) VCF-style: chr1-949801-CGT-C.
Other names: short protein forms F149fs.
Identifiers: ClinVar variation 1445818 (VCV001445818.4), dbSNP rs2100542360, ClinGen allele CA2580611384.
Genomic context (GRCh38, chr1:1,014,421, plus strand): 5'-GGGGAAGCCCCTGGAGGACCAGCTCCCGCTGGGGGAGTACGGCCTCAAGCCCCTGAGCAC[CGT>C]GTTCATGAATCTGCGCCTGCGGGGAGGCGGCACAGAGCCTGGCGGGCGGAGCTAAGGGCC-3'